The following is an entry in ClinVar:

NM_002700.3(POU4F3):c.205G>T (p.Gly69Cys)

Genes: POU4F3 (POU class 4 homeobox 3; plus strand), RBM27-POU4F3 (RBM27-POU4F3 readthrough; plus strand). Cytogenetic location: 5q32.
Variant type: single nucleotide variant.
Coding change: c.205G>T on transcript NM_002700.3 (MANE Select); coding-DNA position 205, G replaced by T.
Protein change: p.Gly69Cys; replaces glycine 69 with cysteine.
Molecular consequence: missense variant. On other transcripts: 3 prime UTR variant (1).
Genome position (GRCh38, 1-based): chr5:146,339,632, G>T. VCF-style: chr5-146339632-G-T. GRCh37 (hg19) VCF-style: chr5-145719195-G-T.
Other names: c.*74G>T (NM_001414499.1); short protein forms G69C.
Identifiers: ClinVar variation 2842637 (VCV002842637.3), dbSNP rs556832050, ClinGen allele CA3491067.

ClinVar aggregate classification (germline): Uncertain significance (1 of 4 stars; one submission).

Allele frequency attached by ClinVar (database versions not stated): ExAC 0.00001; 1000 Genomes Project 30x 0.00016; 1000 Genomes Project 0.00020.

Submission:

Labcorp Genetics (formerly Invitae), Labcorp
Classification: Uncertain significance. Last evaluated: 2023-05-31. Review status: criteria provided, single submitter. Criteria: Invitae Variant Classification Sherloc (09022015). Collection method: clinical testing. Allele origin: germline.
Comment: This sequence change replaces glycine, which is neutral and non-polar, with cysteine, which is neutral and slightly polar, at codon 69 of the POU4F3 protein (p.Gly69Cys). This variant is present in population databases (rs556832050, gnomAD 0.0009%). In summary, the available evidence is currently insufficient to determine the role of this variant in disease. Therefore, it has been classified as a Variant of Uncertain Significance. Advanced modeling of protein sequence and biophysical properties (such as structural, functional, and spatial information, amino acid conservation, physicochemical variation, residue mobility, and thermodynamic stability) performed at Invitae indicates that this missense variant is not expected to disrupt POU4F3 protein function. This variant has not been reported in the literature in individuals affected with POU4F3-related conditions.